The following is an entry in ClinVar:

NM_001164508.2(NEB):c.217C>T (p.Arg73Trp)

Gene: NEB (nebulin; minus strand). Cytogenetic location: 2q23.3.
Variant type: single nucleotide variant.
Coding change: c.217C>T on transcript NM_001164508.2 (MANE Select); coding-DNA position 217, C replaced by T.
Protein change: p.Arg73Trp; replaces arginine 73 with tryptophan.
Molecular consequence: missense variant.
Genome position (GRCh38, 1-based): chr2:151,727,768, G>A on the plus strand (C>T on the coding strand, the complement: NEB is on the minus strand). VCF-style: chr2-151727768-G-A. GRCh37 (hg19) VCF-style: chr2-152584282-G-A.
Other names: c.217C>T, p.Arg73Trp (NM_001164507.2, NM_001271208.2, NM_004543.5); short protein forms R73W.
Identifiers: ClinVar variation 465555 (VCV000465555.21), dbSNP rs77994592, ClinGen allele CA1911974.

ClinVar aggregate classification (germline): Conflicting classifications of pathogenicity. Review status: criteria provided, conflicting classifications (1 of 4 stars). 5 submissions from 5 submitters: Uncertain significance (3); Likely benign (1). 1 of the submissions does not count toward it. Last evaluated 2026-09-01.

Conditions:
NEB-related disorder. Also called: NEB-Related Disorders; NEB-related condition.
Nemaline myopathy 2 (NEM2). Also called: Nemaline myopathy 2, autosomal recessive. Identifiers: MedGen C1850569, MONDO:0009725, OMIM 256030.

Allele frequency attached by ClinVar (database versions not stated): gnomAD exomes 0.00005 and 0.00016; ESP Exome Variant Server 0.00016; ExAC 0.00020; gnomAD 0.00065 and 0.00062; 1000 Genomes Project 30x 0.00156; TOPMed 0.00062; 1000 Genomes Project 0.00160.
gnomAD v4.1: 176 of 1,613,688 alleles (0.011%); highest among the groups gnomAD compares: African/African-American, 0.18%; no homozygotes.

Submissions (5):

GeneDx
Classification: Uncertain significance. Last evaluated: 2026-09-01. Review status: criteria provided, single submitter. Criteria: GeneDx Variant Classification Process June 2021. Collection method: clinical testing. Allele origin: germline.
Comment: In silico analysis suggests that this missense variant does not alter protein structure/function; Has not been previously published as pathogenic or benign to our knowledge; This variant is associated with the following publications: (PMID: 27739254)

Labcorp Genetics (formerly Invitae), Labcorp
Classification: Likely benign for Nemaline myopathy 2. Last evaluated: 2026-01-26. Review status: criteria provided, single submitter. Criteria: Invitae Variant Classification Sherloc (09022015). Collection method: clinical testing. Allele origin: germline.

Women's Health and Genetics/Laboratory Corporation of America, LabCorp
Classification: Uncertain significance. Last evaluated: 2020-05-08. Review status: criteria provided, single submitter. Criteria: LabCorp Variant Classification Summary - May 2015. Collection method: clinical testing. Allele origin: germline.
Comment: Variant summary: NEB c.217C>T (p.Arg73Trp) results in a non-conservative amino acid change in the encoded protein sequence. Three of five in-silico tools predict a benign effect of the variant on protein function. The variant allele was found at a frequency of 0.00016 in 248860 control chromosomes, predominantly at a frequency of 0.0024 within the African or African-American subpopulation in the gnomAD database. This frequency is not significantly higher than expected for a pathogenic variant in NEB causing Nemaline Myopathy 2 (0.0024 vs 0.0035), allowing no conclusion about variant significance. c.217C>T has been reported in the literature in at least one individual affected with Limb-girdle muscular dystrophy (Brauers_2016). This report does not provide unequivocal conclusions about association of the variant with Nemaline Myopathy 2. To our knowledge, no experimental evidence demonstrating an impact on protein function has been reported. One clinical diagnostic laboratory has submitted clinical-significance assessments for this variant to ClinVar after 2014 without evidence for independent evaluation and classified the variant as likely benign. Based on the evidence outlined above, the variant was classified as uncertain significance.

Revvity Omics, Revvity
Classification: Uncertain significance. Last evaluated: 2019-05-29. Review status: criteria provided, single submitter. Criteria: ACMG Guidelines, 2015. Collection method: clinical testing. Allele origin: germline.

PreventionGenetics, part of Exact Sciences
Classification: Likely benign for NEB-related condition. Last evaluated: 2022-04-06. Review status: no assertion criteria provided. Collection method: clinical testing. Allele origin: germline. Not counted in ClinVar's aggregate classification.
Comment: This variant is classified as likely benign based on ACMG/AMP sequence variant interpretation guidelines (Richards et al. 2015 PMID: 25741868, with internal and published modifications).

Literature cited by the submitters: PubMed 27739254 (cited by Women's Health and Genetics/Laboratory Corporation of America, LabCorp).